The following is an entry in ClinVar:

ClinVar aggregate classification (germline): Benign (3 of 4 stars; one submission).

Conditions:
Breast-ovarian cancer, familial, susceptibility to, 2 (BROVCA2). Also called: BRCA2 Hereditary Breast and Ovarian Cancer. Identifiers: Orphanet 145, MedGen C2675520, MONDO:0012933, OMIM 612555. Disease mechanism: loss of function.

Submission:

Evidence-based Network for the Interpretation of Germline Mutant Alleles (ENIGMA)
Classification: Benign for Breast-ovarian cancer, familial, susceptibility to, 2. Last evaluated: 2016-09-28. Review status: reviewed by expert panel. Criteria: ENIGMA BRCA1/2 Classification Criteria (2015). Collection method: curation. Allele origin: germline.
Comment: Class 1 not pathogenic based on frequency >1% in an outbred sampleset. Frequency 0.0537 (African), derived from 1000 genomes (2013-05-02).

NM_000059.4(BRCA2):c.7008-3059dup

Gene: BRCA2 (BRCA2 DNA repair associated; plus strand). Cytogenetic location: 13q13.1.
Variant type: Duplication.
Coding change: c.7008-3059dup on transcript NM_000059.4 (MANE Select); 3059 bases into the intron before coding-DNA position 7008, one base duplicated (T; older notation c.7008-3059dupT).
Molecular consequence: intron variant.
Genome position (GRCh38, 1-based): chr13:32,351,802, T duplicated; the last of 3 consecutive T bases (chr13:32,351,800-32,351,802); duplicating any one gives the same sequence. VCF-style (leftmost placement, unchanged base first): chr13-32351799-A-AT. GRCh37 (hg19) VCF-style: chr13-32925936-A-AT.
Identifiers: ClinVar variation 264880 (VCV000264880.1), dbSNP rs11571697, ClinGen allele CA10588116.